The following is an entry in ClinVar:

ClinVar aggregate classification (germline): Likely pathogenic (1 of 4 stars; one submission).

Submission:

GeneDx
Classification: Likely pathogenic. Last evaluated: 2017-10-20. Review status: criteria provided, single submitter. Criteria: GeneDx Variant Classification (06012015). Collection method: clinical testing. Allele origin: germline. Affected: yes.
Comment: The c.1215_1216delAA variant in the PPM1D gene has not been reported previously as a pathogenic variant nor as a benign variant, to our knowledge. The c.1215_1216delAA variant causes a frameshift starting with codon Glutamic acid 405, changes this amino acid to an Aspartic acid residue, and creates a premature Stop codon at position 28 of the new reading frame, denoted p.Glu405AspfsX28. This variant is predicted to cause loss of normal protein function through protein truncation. The c.1215_1216delAA variant is not observed in large population cohorts (Lek et al., 2016). We interpret c.1215_1216delAA as a likely pathogenic variant

NM_003620.4(PPM1D):c.1215_1216del (p.Glu405fs)

Gene: PPM1D (protein phosphatase, Mg2+/Mn2+ dependent 1D; plus strand). Cytogenetic location: 17q23.2.
Variant type: Deletion.
Coding change: c.1215_1216del on transcript NM_003620.4 (MANE Select); coding-DNA positions 1215 to 1216, 2 bases deleted (AA; older notation c.1215_1216delAA).
Protein change: p.Glu405fs; shifts the reading frame from glutamic acid 405.
Molecular consequence: frameshift variant.
Genome position (GRCh38, 1-based): chr17:60,656,796-60,656,797, AA deleted; deleting any 2 consecutive bases within chr17:60,656,795-60,656,797 gives the same sequence; the c. name uses the placement nearest the transcript's 3' end. VCF-style (leftmost placement, unchanged base first): chr17-60656794-GAA-G. GRCh37 (hg19) VCF-style: chr17-58734155-GAA-G.
Other names: c.1215_1216delAA (NM_003620.3); short protein forms E405fs.
Identifiers: ClinVar variation 452427 (VCV000452427.2), dbSNP rs747947002, ClinGen allele CA658658632.